The following is an entry in ClinVar:

NM_005989.4(AKR1D1):c.*537T>C

Gene: AKR1D1 (aldo-keto reductase family 1 member D1; plus strand). Cytogenetic location: 7q33.
Variant type: single nucleotide variant.
Coding change: c.*537T>C on transcript NM_005989.4 (MANE Select); 537 bases downstream of the stop codon, T replaced by C.
Molecular consequence: 3 prime UTR variant.
Genome position (GRCh38, 1-based): chr7:138,117,199, T>C. VCF-style: chr7-138117199-T-C. GRCh37 (hg19) VCF-style: chr7-137801945-T-C.
Other names: c.*537T>C (NM_001190906.2); c.*562T>C (NM_001190907.2).
Identifiers: ClinVar variation 911442 (VCV000911442.28), dbSNP rs117215714, ClinGen allele CA167100980.

ClinVar aggregate classification (germline): Conflicting classifications of pathogenicity. Review status: criteria provided, conflicting classifications (1 of 4 stars). 2 submissions from 2 submitters: Uncertain significance (1); Likely benign (1). Last evaluated 2022-12-01.

Conditions:
Congenital bile acid synthesis defect 2 (CBAS2). Also called: CHOLESTASIS WITH DELTA(4)-3-OXOSTEROID 5-BETA-REDUCTASE DEFICIENCY. Identifiers: Orphanet 79303, MedGen C1856127, MONDO:0009339, OMIM 235555.

Allele frequency attached by ClinVar (database versions not stated): 1000 Genomes Project 0.00220; 1000 Genomes Project 30x 0.00234; TOPMed 0.00327; gnomAD 0.00355 and 0.00362; gnomAD exomes 0.00384.
gnomAD v4.1: 547 of 154,212 alleles (0.35%); highest among the groups gnomAD compares: Non-Finnish European, 0.59%; 3 homozygotes.

Submissions (2):

CeGaT Center for Human Genetics Tuebingen
Classification: Likely benign. Last evaluated: 2022-12-01. Review status: criteria provided, single submitter. Criteria: CeGaT Center For Human Genetics Tuebingen Variant Classification Criteria Version 2. Collection method: clinical testing. Allele origin: germline. Affected: yes. Observed: 1 variant allele.
Comment: AKR1D1: BS2

Illumina Laboratory Services, Illumina
Classification: Uncertain significance for Congenital bile acid synthesis defect 2. Last evaluated: 2018-01-13. Review status: criteria provided, single submitter. Criteria: ICSL Variant Classification Criteria 13 December 2019. Collection method: clinical testing. Allele origin: germline.